The following is an entry in ClinVar:

ClinVar aggregate classification (germline): Pathogenic (1 of 4 stars; one submission).

Conditions:
Oculofaciocardiodental syndrome (MCOPS2). Identifiers: Orphanet 2712, MedGen C1846265, MONDO:0010261, OMIM 300166.

Submission:

Labcorp Genetics (formerly Invitae), Labcorp
Classification: Pathogenic for Oculofaciocardiodental syndrome. Last evaluated: 2017-07-16. Review status: criteria provided, single submitter. Criteria: Invitae Variant Classification Sherloc (09022015). Collection method: clinical testing. Allele origin: germline.
Comment: For these reasons, this variant has been classified as Pathogenic. Loss-of-function variants in BCOR are known to be pathogenic (PMID: 15004558, 19367324). This variant has not been reported in the literature in individuals with BCOR-related disease. This variant is not present in population databases (ExAC no frequency). This sequence change creates a premature translational stop signal (p.Leu1130Profs*12) in the BCOR gene. It is expected to result in an absent or disrupted protein product.

Literature cited by the submitters: PubMed 15004558; PubMed 19367324.

NM_001123385.2(BCOR):c.3388dup (p.Leu1130fs)

Gene: BCOR (BCL6 corepressor; minus strand). Cytogenetic location: Xp11.4.
Variant type: Duplication.
Coding change: c.3388dup on transcript NM_001123385.2 (MANE Select); coding-DNA position 3388, one base duplicated (C; older notation c.3388dupC).
Protein change: p.Leu1130fs; shifts the reading frame from leucine 1130.
Molecular consequence: frameshift variant.
Genome position (GRCh38, 1-based): chrX:40,064,450, G duplicated on the plus strand (C on the coding strand, the reverse complement: BCOR is on the minus strand); the first of 3 consecutive G bases (chrX:40,064,450-40,064,452); duplicating any one gives the same sequence. VCF-style (leftmost placement, unchanged base first): chrX-40064449-A-AG. GRCh37 (hg19) VCF-style: chrX-39923702-A-AG.
Other names: c.3386dup, p.Leu1130Profs (NM_001123383.2); c.3334dup, p.Leu1112fs (NM_001123384.2); c.3388dup, p.Leu1130fs (NM_017745.6); c.3388dupC (NM_017745.5); short protein forms L1130fs, L1112fs.
Identifiers: ClinVar variation 465158 (VCV000465158.6), dbSNP rs1555915785, ClinGen allele CA658658972.